The following is an entry in ClinVar:

NM_006904.7(PRKDC):c.11260G>A (p.Gly3754Ser)

Gene: PRKDC (protein kinase, DNA-activated, catalytic subunit; minus strand). Cytogenetic location: 8q11.21.
Variant type: single nucleotide variant.
Coding change: c.11260G>A on transcript NM_006904.7 (MANE Select); coding-DNA position 11260, G replaced by A.
Protein change: p.Gly3754Ser; replaces glycine 3754 with serine.
Molecular consequence: missense variant.
Genome position (GRCh38, 1-based): chr8:47,782,514, C>T on the plus strand (G>A on the coding strand, the complement: PRKDC is on the minus strand). VCF-style: chr8-47782514-C-T. GRCh37 (hg19) VCF-style: chr8-48695075-C-T.
Other names: c.11260G>A, p.Gly3754Ser (NM_001081640.2); short protein forms G3754S.
Identifiers: ClinVar variation 2449874 (VCV002449874.2), dbSNP rs775003870, ClinGen allele CA4739131.

ClinVar aggregate classification (germline): Uncertain significance (1 of 4 stars; one submission).

Allele frequency attached by ClinVar (database versions not stated): gnomAD exomes below 0.00001.
gnomAD v4.1: 1 of 1,577,396 alleles (0.000063%); no homozygotes.

Submission:

Ambry Genetics
Classification: Uncertain significance. Last evaluated: 2023-01-31. Review status: criteria provided, single submitter. Criteria: Ambry Variant Classification Scheme 2023. Collection method: clinical testing. Allele origin: germline.
Comment: The p.G3754S variant (also known as c.11260G>A), located in coding exon 79 of the PRKDC gene, results from a G to A substitution at nucleotide position 11260. The glycine at codon 3754 is replaced by serine, an amino acid with similar properties. This amino acid position is conserved. In addition, this alteration is predicted to be deleterious by in silico analysis. Since supporting evidence is limited at this time, the clinical significance of this alteration remains unclear.